The following is an entry in ClinVar:

NM_003750.4(EIF3A):c.3245G>T (p.Gly1082Val)

Gene: EIF3A (eukaryotic translation initiation factor 3 subunit A; minus strand). Cytogenetic location: 10q26.11.
Variant type: single nucleotide variant.
Coding change: c.3245G>T on transcript NM_003750.4 (MANE Select); coding-DNA position 3245, G replaced by T.
Protein change: p.Gly1082Val; replaces glycine 1082 with valine.
Molecular consequence: missense variant.
Genome position (GRCh38, 1-based): chr10:119,042,275, C>A on the plus strand (G>T on the coding strand, the complement: EIF3A is on the minus strand). VCF-style: chr10-119042275-C-A. GRCh37 (hg19) VCF-style: chr10-120801787-C-A.
Other names: short protein forms G1082V.
Identifiers: ClinVar variation 4685176 (VCV004685176.1).
Genomic context (GRCh38, chr10:119,042,275, plus strand): 5'-CCTCGCCTGGGACCCCGGTCATCATCCATGCCTCGCCTGGGACCCCGGTCATCATCCATG[C>A]CTCGCCTGGGACCCCGATCATCATCCAACCCTCGCCTGGGACCCCGGTCATCATCAGCAT-3'
Protein context (NP_003741.1, residues 1072-1092): GLDDDRGPRR[Gly1082Val]MDDDRGPRRG

ClinVar aggregate classification (germline): Uncertain significance (1 of 4 stars; one submission).

Submission:

GeneDx
Classification: Uncertain significance. Last evaluated: 2025-06-28. Review status: criteria provided, single submitter. Criteria: GeneDx Variant Classification Process June 2021. Collection method: clinical testing. Allele origin: germline. Affected: yes.
Comment: Not observed at significant frequency in large population cohorts (gnomAD); In silico analysis suggests that this missense variant does not alter protein structure/function; Has not been previously published as pathogenic or benign to our knowledge; Variants in candidate genes are classified as variants of uncertain significance in accordance with ACMG guidelines (PMID: 25741868)